The following is an entry in ClinVar:

NM_001287.6(CLCN7):c.60_61inv (p.Ala21Pro)

Genes: CLCN7 (chloride voltage-gated channel 7; minus strand), LOC130058166 (ATAC-STARR-seq lymphoblastoid silent region 6986; plus strand). Cytogenetic location: 16p13.3.
Variant type: Inversion.
Coding change: c.60_61inv on transcript NM_001287.6 (MANE Select).
Protein change: p.Ala21Pro; replaces alanine 21 with proline.
Molecular consequence: missense variant.
Genome position: GRCh38 VCF-style: chr16-1474914-CC-GG. GRCh37 (hg19) VCF-style: chr16-1524915-CC-GG.
Other names: c.60_61inv, p.Ala21Pro (NM_001114331.3); short protein forms A21P.
Identifiers: ClinVar variation 2858648 (VCV002858648.3), ClinGen allele CA2739269841.
Genomic context (GRCh38, chr16:1,474,914, plus strand): 5'-CAGCCCCGTTCAGCAGCGGCGTCCCCCCGCCGGGCCGCGCCGTCCTCCGCAGCAGCGGCG[CC>GG]GCCTCCTCGTCGTCCCGGTCCCGGCCGGACCAGGACACCTTCTTAGAGACGTTGGCCATG-3'
Protein context (NP_001278.1, residues 11-31): SGRDRDDEEA[Ala21Pro]PLLRRTARPG

ClinVar aggregate classification (germline): Uncertain significance (1 of 4 stars; one submission).

Submission:

Labcorp Genetics (formerly Invitae), Labcorp
Classification: Uncertain significance. Last evaluated: 2023-05-11. Review status: criteria provided, single submitter. Criteria: Invitae Variant Classification Sherloc (09022015). Collection method: clinical testing. Allele origin: germline.
Comment: This sequence change replaces alanine, which is neutral and non-polar, with proline, which is neutral and non-polar, at codon 21 of the CLCN7 protein (p.Ala21Pro). Information on the frequency of this variant in the gnomAD database is not available, as this variant may be reported differently in the database. This variant has not been reported in the literature in individuals affected with CLCN7-related conditions. Experimental studies and prediction algorithms are not available or were not evaluated, and the functional significance of this variant is currently unknown. In summary, the available evidence is currently insufficient to determine the role of this variant in disease. Therefore, it has been classified as a Variant of Uncertain Significance.